The following is an entry in ClinVar:

NM_002519.3(NPAT):c.3047A>G (p.His1016Arg)

Gene: NPAT (nuclear protein, coactivator of histone transcription; minus strand). Cytogenetic location: 11q22.3.
Variant type: single nucleotide variant.
Coding change: c.3047A>G on transcript NM_002519.3 (MANE Select); coding-DNA position 3047, A replaced by G.
Protein change: p.His1016Arg; replaces histidine 1016 with arginine.
Molecular consequence: missense variant.
Genome position (GRCh38, 1-based): chr11:108,162,144, T>C on the plus strand (A>G on the coding strand, the complement: NPAT is on the minus strand). VCF-style: chr11-108162144-T-C. GRCh37 (hg19) VCF-style: chr11-108032871-T-C.
Other names: c.3047A>G, p.His1016Arg (NM_001321307.1); short protein forms H1016R.
Identifiers: ClinVar variation 1799200 (VCV001799200.2), dbSNP rs775075122, ClinGen allele CA6263671.

ClinVar aggregate classification (germline): Uncertain significance (1 of 4 stars; one submission).

Allele frequency attached by ClinVar (database versions not stated): gnomAD exomes below 0.00001; ExAC 0.00001.
gnomAD v4.1: 3 of 1,614,110 alleles (0.00019%); highest among the groups gnomAD compares: Non-Finnish European, 0.00025%; no homozygotes.

Submission:

Ambry Genetics
Classification: Uncertain significance. Last evaluated: 2024-03-16. Review status: criteria provided, single submitter. Criteria: Ambry Variant Classification Scheme 2023. Collection method: clinical testing. Allele origin: germline.
Comment: The p.H1016R variant (also known as c.3047A>G), located in coding exon 16 of the NPAT gene, results from an A to G substitution at nucleotide position 3047. The histidine at codon 1016 is replaced by arginine, an amino acid with highly similar properties. This amino acid position is conserved. In addition, this alteration is predicted to be tolerated by in silico analysis. Since supporting evidence is limited at this time, the clinical significance of this alteration remains unclear.